The following is an entry in ClinVar:

ClinVar aggregate classification (germline): Likely pathogenic (1 of 4 stars; one submission).

Conditions:
Hereditary insensitivity to pain with anhidrosis (CIPA). Also called: INSENSITIVITY TO PAIN, CONGENITAL, WITH ANHIDROSIS; HSAN Type IV; FAMILIAL DYSAUTONOMIA, TYPE II; NEUROPATHY, CONGENITAL SENSORY, WITH ANHIDROSIS; NTRK1 Congenital Insensitivity to Pain with Anhidrosis; hereditary sensory and autonomic neuropathy type 4. Identifiers: Orphanet 642, MedGen C0020074, MONDO:0009746, OMIM 256800.

Submission:

Labcorp Genetics (formerly Invitae), Labcorp
Classification: Likely pathogenic for Hereditary insensitivity to pain with anhidrosis. Last evaluated: 2023-03-23. Review status: criteria provided, single submitter. Criteria: Invitae Variant Classification Sherloc (09022015). Collection method: clinical testing. Allele origin: unknown.
Comment: In summary, the currently available evidence indicates that the variant is pathogenic, but additional data are needed to prove that conclusively. Therefore, this variant has been classified as Likely Pathogenic. This variant has not been reported in the literature in individuals affected with NTRK1-related conditions. This variant results in a copy number gain of the genomic region encompassing exon(s) 7 of the NTRK1 gene. While the exact position of this variant cannot be determined from the data, sub-genic copy number gains are generally in tandem (PMID: 25640679). This variant is predicted to be out-of-frame, and may result in an absent or disrupted protein product. Loss-of-function variants in NTRK1 are known to be pathogenic (PMID: 10982191).

Literature cited by the submitters: PubMed 25640679; PubMed 10982191.

NC_000001.10:g.(?_156841395)_(156843392_?)dup

Gene: NTRK1 (neurotrophic receptor tyrosine kinase 1; plus strand). Cytogenetic location: 1q23.1.
Variant type: Duplication.
Identifiers: ClinVar variation 3247641 (VCV003247641.1).